The following is an entry in ClinVar:

ClinVar aggregate classification (germline): Uncertain significance (1 of 4 stars; one submission).

Conditions:
Early-infantile DEE. Also called: Early infantile epileptic encephalopathy; Ohtahara syndrome; Early infantile epileptic encephalopathy with suppression bursts. Identifiers: Orphanet 1934, MedGen C0393706, MONDO:0800491.

gnomAD v4.1: 1 of 1,612,656 alleles (0.000062%); highest among the groups gnomAD compares: African/African-American, 0.0013%; no homozygotes.

Submission:

Labcorp Genetics (formerly Invitae), Labcorp
Classification: Uncertain significance for Early-infantile DEE. Last evaluated: 2024-03-06. Review status: criteria provided, single submitter. Criteria: Invitae Variant Classification Sherloc (09022015). Collection method: clinical testing. Allele origin: germline.
Comment: This sequence change replaces proline, which is neutral and non-polar, with serine, which is neutral and polar, at codon 627 of the ARHGEF15 protein (p.Pro627Ser). This variant is not present in population databases (gnomAD no frequency). This variant has not been reported in the literature in individuals affected with ARHGEF15-related conditions. An algorithm developed to predict the effect of missense changes on protein structure and function (PolyPhen-2) suggests that this variant is likely to be disruptive. In summary, the available evidence is currently insufficient to determine the role of this variant in disease. Therefore, it has been classified as a Variant of Uncertain Significance.

NM_173728.4(ARHGEF15):c.1879C>T (p.Pro627Ser)

Gene: ARHGEF15 (Rho guanine nucleotide exchange factor 15; plus strand). Cytogenetic location: 17p13.1.
Variant type: single nucleotide variant.
Coding change: c.1879C>T on transcript NM_173728.4 (MANE Select); coding-DNA position 1879, C replaced by T.
Protein change: p.Pro627Ser; replaces proline 627 with serine.
Molecular consequence: missense variant.
Genome position (GRCh38, 1-based): chr17:8,318,756, C>T. VCF-style: chr17-8318756-C-T. GRCh37 (hg19) VCF-style: chr17-8222074-C-T.
Other names: c.1879C>T, p.Pro627Ser (NM_025014.2); short protein forms P627S.
Identifiers: ClinVar variation 3610232 (VCV003610232.2).